The following is an entry in ClinVar:

NM_001197104.2(KMT2A):c.6044A>G (p.Asn2015Ser)

Gene: KMT2A (lysine methyltransferase 2A; plus strand). Cytogenetic location: 11q23.3.
Variant type: single nucleotide variant.
Coding change: c.6044A>G on transcript NM_001197104.2 (MANE Select); coding-DNA position 6044, A replaced by G.
Protein change: p.Asn2015Ser; replaces asparagine 2015 with serine.
Molecular consequence: missense variant.
Genome position (GRCh38, 1-based): chr11:118,499,385, A>G. VCF-style: chr11-118499385-A-G. GRCh37 (hg19) VCF-style: chr11-118370100-A-G.
Other names: c.6035A>G, p.Asn2012Ser (NM_005933.4); c.6044A>G (NM_001197104.1); short protein forms N2012S, N2015S.
Identifiers: ClinVar variation 1522750 (VCV001522750.9), dbSNP rs782113867, ClinGen allele CA6304161.
Genomic context (GRCh38, chr11:118,499,385, plus strand): 5'-AAGTTTTCAGAAGAGTGTTTGTGGACTTTGAAGGAATCAGCTTGAGAAGGAAGTTTCTCA[A>G]TGGCTTGGAACCAGAAAATATCCACATGATGATTGGTATGACCTAGCCTTGGTTATTGGG-3'
Protein context (NP_001184033.1, residues 2005-2025): EGISLRRKFL[Asn2015Ser]GLEPENIHMM

ClinVar aggregate classification (germline): Conflicting classifications of pathogenicity. Review status: criteria provided, conflicting classifications (1 of 4 stars). 2 submissions from 2 submitters: Uncertain significance (1); Likely benign (1). Last evaluated 2025-09-09.

Conditions:
Inborn genetic diseases. Identifiers: MedGen C0950123, MeSH D030342.

Allele frequency attached by ClinVar (database versions not stated): gnomAD exomes below 0.00001; TOPMed below 0.00001; gnomAD 0.00001; ExAC 0.00002.
gnomAD v4.1: 4 of 1,607,236 alleles (0.00025%); highest among the groups gnomAD compares: Admixed American, 0.0034%; no homozygotes.

Submissions (2):

Labcorp Genetics (formerly Invitae), Labcorp
Classification: Uncertain significance. Last evaluated: 2025-09-09. Review status: criteria provided, single submitter. Criteria: Invitae Variant Classification Sherloc (09022015). Collection method: clinical testing. Allele origin: germline.
Comment: This sequence change replaces asparagine, which is neutral and polar, with serine, which is neutral and polar, at codon 2015 of the KMT2A protein (p.Asn2015Ser). This variant is present in population databases (rs782113867, gnomAD 0.003%). This variant has not been reported in the literature in individuals affected with KMT2A-related conditions. ClinVar contains an entry for this variant (Variation ID: 1522750). Invitae Evidence Modeling of protein sequence and biophysical properties (such as structural, functional, and spatial information, amino acid conservation, physicochemical variation, residue mobility, and thermodynamic stability) indicates that this missense variant is not expected to disrupt KMT2A protein function with a negative predictive value of 95%. In summary, the available evidence is currently insufficient to determine the role of this variant in disease. Therefore, it has been classified as a Variant of Uncertain Significance.

Ambry Genetics
Classification: Likely benign for Inborn genetic diseases. Last evaluated: 2025-08-04. Review status: criteria provided, single submitter. Criteria: Ambry Variant Classification Scheme 2023. Collection method: clinical testing. Allele origin: germline.